The following is an entry in ClinVar:

NM_020919.4(ALS2):c.4333C>G (p.Pro1445Ala)

Gene: ALS2 (alsin Rho guanine nucleotide exchange factor ALS2; minus strand). Cytogenetic location: 2q33.1.
Variant type: single nucleotide variant.
Coding change: c.4333C>G on transcript NM_020919.4 (MANE Select); coding-DNA position 4333, C replaced by G.
Protein change: p.Pro1445Ala; replaces proline 1445 with alanine.
Molecular consequence: missense variant.
Genome position (GRCh38, 1-based): chr2:201,707,939, G>C on the plus strand (C>G on the coding strand, the complement: ALS2 is on the minus strand). VCF-style: chr2-201707939-G-C. GRCh37 (hg19) VCF-style: chr2-202572662-G-C.
Other names: c.4333C>G (NM_020919.3); short protein forms P1445A.
Identifiers: ClinVar variation 1035750 (VCV001035750.9), dbSNP rs1559032116, ClinGen allele CA350322630.

ClinVar aggregate classification (germline): Uncertain significance. Review status: criteria provided, multiple submitters, no conflicts (2 of 4 stars). 2 submissions from 2 submitters: Uncertain significance (2). Last evaluated 2024-03-12.

Conditions:
Inborn genetic diseases. Identifiers: MedGen C0950123, MeSH D030342.
Infantile-onset ascending hereditary spastic paralysis (IAHSP). Also called: Autosomal Recessive Juvenile Amyotrophic Lateral Sclerosis; Infantile-Onset Ascending Hereditary Spastic Paralysis (IAHSP). Identifiers: Orphanet 293168, MedGen C2931441, MONDO:0011797, OMIM 607225. Disease mechanism: loss of function.

gnomAD v4.1: 1 of 1,613,554 alleles (0.000062%); highest among the groups gnomAD compares: East Asian, 0.0022%; no homozygotes.

Submissions (2):

Ambry Genetics
Classification: Uncertain significance for Inborn genetic diseases. Last evaluated: 2024-03-12. Review status: criteria provided, single submitter. Criteria: Ambry Variant Classification Scheme 2023. Collection method: clinical testing. Allele origin: germline.

Labcorp Genetics (formerly Invitae), Labcorp
Classification: Uncertain significance for Infantile-onset ascending hereditary spastic paralysis. Last evaluated: 2022-06-13. Review status: criteria provided, single submitter. Criteria: Invitae Variant Classification Sherloc (09022015). Collection method: clinical testing. Allele origin: germline.
Comment: In summary, the available evidence is currently insufficient to determine the role of this variant in disease. Therefore, it has been classified as a Variant of Uncertain Significance. Algorithms developed to predict the effect of missense changes on protein structure and function (SIFT, PolyPhen-2, Align-GVGD) all suggest that this variant is likely to be tolerated. ClinVar contains an entry for this variant (Variation ID: 1035750). This variant has not been reported in the literature in individuals affected with ALS2-related conditions. This variant is not present in population databases (gnomAD no frequency). This sequence change replaces proline, which is neutral and non-polar, with alanine, which is neutral and non-polar, at codon 1445 of the ALS2 protein (p.Pro1445Ala).